The following is an entry in ClinVar:

ClinVar aggregate classification (germline): Likely benign (1 of 4 stars; one submission).

Allele frequency attached by ClinVar (database versions not stated): gnomAD exomes 0.00036; 1000 Genomes Project 30x 0.00250; 1000 Genomes Project 0.00280; gnomAD 0.00306; TOPMed 0.00337.
gnomAD v4.1: 561 of 398,744 alleles (0.14%); highest among the groups gnomAD compares: African/African-American, 1%; 2 homozygotes.

Submission:

CeGaT Center for Human Genetics Tuebingen
Classification: Likely benign. Last evaluated: 2026-01-01. Review status: criteria provided, single submitter. Criteria: CeGaT Center For Human Genetics Tuebingen Variant Classification Criteria Version 2. Collection method: clinical testing. Allele origin: germline. Affected: yes. Observed: 2 variant alleles.
Comment: ST3GAL3: BS1

NM_006279.5(ST3GAL3):c.1038+755G>A

Gene: ST3GAL3 (ST3 beta-galactoside alpha-2,3-sialyltransferase 3; plus strand). Cytogenetic location: 1p34.1.
Variant type: single nucleotide variant.
Coding change: c.1038+755G>A on transcript NM_006279.5 (MANE Select); 755 bases into the intron after coding-DNA position 1038, G replaced by A.
Molecular consequence: intron variant.
Genome position (GRCh38, 1-based): chr1:43,921,683, G>A. VCF-style: chr1-43921683-G-A. GRCh37 (hg19) VCF-style: chr1-44387355-G-A.
Other names: c.1245+755G>A (NM_174963.5); c.1279+45G>A (NM_001350619.2); c.1083+755G>A (NM_174964.4); c.443-8449G>A (NM_174965.4); c.*23-8449G>A (NM_001270465.3); c.555-8449G>A (NM_001270463.3); c.1200+755G>A (NM_174968.5); c.907-8449G>A (NM_001363573.2); and 14 more.
Identifiers: ClinVar variation 3234433 (VCV003234433.20), dbSNP rs565526137, ClinGen allele CA21671696.